The following is an entry in ClinVar:

ClinVar aggregate classification (germline): Uncertain significance (1 of 4 stars; one submission).

Allele frequency attached by ClinVar (database versions not stated): gnomAD 0.00002; gnomAD exomes 0.00002; TOPMed 0.00002; ExAC 0.00003; 1000 Genomes Project 30x 0.00031; 1000 Genomes Project 0.00040.
gnomAD v4.1: 16 of 1,614,148 alleles (0.00099%); highest among the groups gnomAD compares: East Asian, 0.025%; 1 homozygote.

Submission:

Labcorp Genetics (formerly Invitae), Labcorp
Classification: Uncertain significance. Last evaluated: 2022-06-07. Review status: criteria provided, single submitter. Criteria: Invitae Variant Classification Sherloc (09022015). Collection method: clinical testing. Allele origin: germline.
Comment: Algorithms developed to predict the effect of missense changes on protein structure and function (SIFT, PolyPhen-2, Align-GVGD) all suggest that this variant is likely to be tolerated. This variant is also known as C2ORF71 c.158C>T. This missense change has been observed in individual(s) with PCARE-related conditions (PMID: 20811058). This variant is present in population databases (rs562051428, gnomAD 0.01%). This sequence change replaces alanine, which is neutral and non-polar, with valine, which is neutral and non-polar, at codon 53 of the PCARE protein (p.Ala53Val). In summary, the available evidence is currently insufficient to determine the role of this variant in disease. Therefore, it has been classified as a Variant of Uncertain Significance.

Literature cited by the submitters: PubMed 20811058.

NM_001029883.3(PCARE):c.158C>T (p.Ala53Val)

Gene: PCARE (photoreceptor cilium actin regulator; minus strand). Cytogenetic location: 2p23.2.
Variant type: single nucleotide variant.
Coding change: c.158C>T on transcript NM_001029883.3 (MANE Select); coding-DNA position 158, C replaced by T.
Protein change: p.Ala53Val; replaces alanine 53 with valine.
Molecular consequence: missense variant.
Genome position (GRCh38, 1-based): chr2:29,074,104, G>A on the plus strand (C>T on the coding strand, the complement: PCARE is on the minus strand). VCF-style: chr2-29074104-G-A. GRCh37 (hg19) VCF-style: chr2-29296970-G-A.
Other names: short protein forms A53V.
Identifiers: ClinVar variation 1933477 (VCV001933477.3), dbSNP rs562051428, ClinGen allele CA1592703.
Genomic context (GRCh38, chr2:29,074,104, plus strand): 5'-CCTTTAGCTGTGGTTTGGTTCCTCCTGGGACTTGGCTGCTCCTCTGCCAGGCCCTCCCCA[G>A]CGTCATAGCAGGTGGAGTTTTTAACCAGCAAAGGGATGGAACCTCTTTCACTTCCGCCCT-3'
Protein context (NP_001025054.1, residues 43-63): LLVKNSTCYD[Ala53Val]GEGLAEEQPS